The following is an entry in ClinVar:

NM_003070.5(SMARCA2):c.4471G>T (p.Asp1491Tyr)

Gene: SMARCA2 (SWI/SNF related BAF chromatin remodeling complex subunit ATPase 2; plus strand). Cytogenetic location: 9p24.3.
Variant type: single nucleotide variant.
Coding change: c.4471G>T on transcript NM_003070.5 (MANE Select); coding-DNA position 4471, G replaced by T.
Protein change: p.Asp1491Tyr; replaces aspartic acid 1491 with tyrosine.
Molecular consequence: missense variant.
Genome position (GRCh38, 1-based): chr9:2,186,105, G>T. VCF-style: chr9-2186105-G-T. GRCh37 (hg19) VCF-style: chr9-2186105-G-T.
Other names: c.4471G>T, p.Asp1491Tyr (NM_001289396.2); c.4243G>T, p.Asp1415Tyr (NM_001289397.2); c.445G>T, p.Asp149Tyr (NM_001289398.2); c.529G>T, p.Asp177Tyr (NM_001289399.2); c.535G>T, p.Asp179Tyr (NM_001289400.2); c.4417G>T, p.Asp1473Tyr (NM_139045.4); short protein forms D1415Y, D1473Y, D1491Y, D149Y, D177Y, D179Y.
Identifiers: ClinVar variation 3252974 (VCV003252974.2), dbSNP rs1827432636.

ClinVar aggregate classification (germline): Uncertain significance (1 of 4 stars; one submission).

Submission:

GeneDx
Classification: Uncertain significance. Last evaluated: 2025-03-07. Review status: criteria provided, single submitter. Criteria: GeneDx Variant Classification Process June 2021. Collection method: clinical testing. Allele origin: germline.
Comment: Has not been previously published as pathogenic or benign to our knowledge; Not observed at significant frequency in large population cohorts (gnomAD); In silico analysis supports that this missense variant has a deleterious effect on protein structure/function; In silico analysis suggests this variant may impact gene splicing. In the absence of RNA/functional studies, the actual effect of this sequence change is unknown.